The following is an entry in ClinVar:

NM_173354.5(SIK1):c.1892C>G (p.Pro631Arg)

Gene: SIK1 (salt inducible kinase 1; minus strand). Cytogenetic location: 21q22.3.
Variant type: single nucleotide variant.
Coding change: c.1892C>G on transcript NM_173354.5 (MANE Select); coding-DNA position 1892, C replaced by G.
Protein change: p.Pro631Arg; replaces proline 631 with arginine.
Molecular consequence: missense variant.
Genome position (GRCh38, 1-based): chr21:43,417,627, G>C on the plus strand (C>G on the coding strand, the complement: SIK1 is on the minus strand). VCF-style: chr21-43417627-G-C. GRCh37 (hg19) VCF-style: chr21-44837507-G-C.
Other names: short protein forms P631R.
Identifiers: ClinVar variation 2163890 (VCV002163890.21), dbSNP rs748439779, ClinGen allele CA321324871.
Genomic context (GRCh38, chr21:43,417,627, plus strand): 5'-AGCAGGCTCCAGCCCTCCCGGCTGCCGGCTGCGCCGCCGTGCAGGCCTGGGCTCTGTGCA[G>C]GGGCGTGGAAGGGGCTCAGGCCGCCCCTGCTGGCCCGGCTGGCGGGGGCCTGGCACACCT-3'
Protein context (NP_775490.2, residues 621-641): SRGGLSPFHA[Pro631Arg]AQSPGLHGGA

ClinVar aggregate classification (germline): Uncertain significance. Review status: criteria provided, multiple submitters, no conflicts (2 of 4 stars). 2 submissions from 2 submitters: Uncertain significance (2). Last evaluated 2025-10-24.

Conditions:
Developmental and epileptic encephalopathy, 30 (DEE30). Also called: Epileptic encephalopathy, early infantile, 30. Identifiers: MedGen C4225360, MONDO:0014595, OMIM 616341.

Allele frequency attached by ClinVar (database versions not stated): ExAC 0.00004.

Submissions (2):

Labcorp Genetics (formerly Invitae), Labcorp
Classification: Uncertain significance for Developmental and epileptic encephalopathy, 30. Last evaluated: 2025-10-24. Review status: criteria provided, single submitter. Criteria: Invitae Variant Classification Sherloc (09022015). Collection method: clinical testing. Allele origin: germline.
Comment: This sequence change replaces proline, which is neutral and non-polar, with arginine, which is basic and polar, at codon 631 of the SIK1 protein (p.Pro631Arg). This variant is present in population databases (rs748439779, gnomAD 0.008%). This variant has not been reported in the literature in individuals affected with SIK1-related conditions. ClinVar contains an entry for this variant (Variation ID: 2163890). Invitae Evidence Modeling of protein sequence and biophysical properties (such as structural, functional, and spatial information, amino acid conservation, physicochemical variation, residue mobility, and thermodynamic stability) indicates that this missense variant is not expected to disrupt SIK1 protein function with a negative predictive value of 95%. In summary, the available evidence is currently insufficient to determine the role of this variant in disease. Therefore, it has been classified as a Variant of Uncertain Significance.

CeGaT Center for Human Genetics Tuebingen
Classification: Uncertain significance. Last evaluated: 2024-07-01. Review status: criteria provided, single submitter. Criteria: CeGaT Center For Human Genetics Tuebingen Variant Classification Criteria Version 2. Collection method: clinical testing. Allele origin: germline. Affected: yes. Observed: 1 variant allele.